The following is an entry in ClinVar:

ClinVar aggregate classification (germline): Uncertain significance (1 of 4 stars; one submission).

Conditions:
Cardiovascular phenotype. Identifiers: MedGen CN230736.

Allele frequency attached by ClinVar (database versions not stated): gnomAD exomes below 0.00001; TOPMed 0.00001.
gnomAD v4.1: 1 of 1,474,170 alleles (0.000068%); highest among the groups gnomAD compares: African/African-American, 0.0015%; no homozygotes.

Submission:

Ambry Genetics
Classification: Uncertain significance for Cardiovascular phenotype. Last evaluated: 2023-04-03. Review status: criteria provided, single submitter. Criteria: Ambry Variant Classification Scheme 2023. Collection method: clinical testing. Allele origin: germline.
Comment: The p.P1031L variant (also known as c.3092C>T), located in coding exon 1 of the ZNF469 gene, results from a C to T substitution at nucleotide position 3092. The proline at codon 1031 is replaced by leucine, an amino acid with similar properties. This amino acid position is conserved. In addition, this alteration is predicted to be tolerated by in silico analysis. Since supporting evidence is limited at this time, the clinical significance of this alteration remains unclear.

NM_001367624.2(ZNF469):c.3092C>T (p.Pro1031Leu)

Gene: ZNF469 (zinc finger protein 469; plus strand). Cytogenetic location: 16q24.2.
Variant type: single nucleotide variant.
Coding change: c.3092C>T on transcript NM_001367624.2 (MANE Select); coding-DNA position 3092, C replaced by T.
Protein change: p.Pro1031Leu; replaces proline 1031 with leucine.
Molecular consequence: missense variant.
Genome position (GRCh38, 1-based): chr16:88,430,562, C>T. VCF-style: chr16-88430562-C-T. GRCh37 (hg19) VCF-style: chr16-88496970-C-T.
Other names: NM_001127464.1:c.3092C>T; short protein forms P1031L.
Identifiers: ClinVar variation 2564215 (VCV002564215.2), dbSNP rs1368268570, ClinGen allele CA397077387.
Genomic context (GRCh38, chr16:88,430,562, plus strand): 5'-GGGTCCCGAGAGCCGCCGCCCTCCCCGAGGAGACCCGCAGCTCCCGGCGCCGCCGGCTGC[C>T]CCCCAGGAAGGACCCCAGGAAGAGGAAGGCTCGGGGCGGCGCCTGGGGCAAGGAGCTCAT-3'
Protein context (NP_001354553.1, residues 1021-1041): ETRSSRRRRL[Pro1031Leu]PRKDPRKRKA